The following is an entry in ClinVar:

NM_025009.5(CEP135):c.1325G>A (p.Arg442His)

Gene: CEP135 (centrosomal protein 135; plus strand). Cytogenetic location: 4q12.
Variant type: single nucleotide variant.
Coding change: c.1325G>A on transcript NM_025009.5 (MANE Select); coding-DNA position 1325, G replaced by A.
Protein change: p.Arg442His; replaces arginine 442 with histidine.
Molecular consequence: missense variant.
Genome position (GRCh38, 1-based): chr4:55,974,821, G>A. VCF-style: chr4-55974821-G-A. GRCh37 (hg19) VCF-style: chr4-56840987-G-A.
Other names: c.1325G>A (NM_025009.3); short protein forms R442H.
Identifiers: ClinVar variation 1388948 (VCV001388948.7), dbSNP rs192961697, ClinGen allele CA2927838.

ClinVar aggregate classification (germline): Uncertain significance. Review status: criteria provided, multiple submitters, no conflicts (2 of 4 stars). 2 submissions from 2 submitters: Uncertain significance (2). Last evaluated 2023-06-12.

Conditions:
Inborn genetic diseases. Identifiers: MedGen C0950123, MeSH D030342.

Allele frequency attached by ClinVar (database versions not stated): gnomAD 0.00001; ExAC 0.00002; gnomAD exomes 0.00002 and 0.00003; TOPMed 0.00002; ESP Exome Variant Server 0.00008; 1000 Genomes Project 30x 0.00016; 1000 Genomes Project 0.00020.
gnomAD v4.1: 42 of 1,613,802 alleles (0.0026%); highest among the groups gnomAD compares: Admixed American, 0.0033%; no homozygotes.

Submissions (2):

Ambry Genetics
Classification: Uncertain significance for Inborn genetic diseases. Last evaluated: 2023-06-12. Review status: criteria provided, single submitter. Criteria: Ambry Variant Classification Scheme 2023. Collection method: clinical testing. Allele origin: germline.

Labcorp Genetics (formerly Invitae), Labcorp
Classification: Uncertain significance. Last evaluated: 2022-09-27. Review status: criteria provided, single submitter. Criteria: Invitae Variant Classification Sherloc (09022015). Collection method: clinical testing. Allele origin: germline.
Comment: In summary, the available evidence is currently insufficient to determine the role of this variant in disease. Therefore, it has been classified as a Variant of Uncertain Significance. Algorithms developed to predict the effect of missense changes on protein structure and function are either unavailable or do not agree on the potential impact of this missense change (SIFT: "Deleterious"; PolyPhen-2: "Probably Damaging"; Align-GVGD: "Class C0"). ClinVar contains an entry for this variant (Variation ID: 1388948). This variant has not been reported in the literature in individuals affected with CEP135-related conditions. This variant is present in population databases (rs192961697, gnomAD 0.004%). This sequence change replaces arginine, which is basic and polar, with histidine, which is basic and polar, at codon 442 of the CEP135 protein (p.Arg442His).